The following is an entry in ClinVar:

NM_001103.4(ACTN2):c.510T>A (p.Asn170Lys)

Gene: ACTN2 (actinin alpha 2; plus strand). Cytogenetic location: 1q43.
Variant type: single nucleotide variant.
Coding change: c.510T>A on transcript NM_001103.4 (MANE Select); coding-DNA position 510, T replaced by A.
Protein change: p.Asn170Lys; replaces asparagine 170 with lysine.
Molecular consequence: missense variant. On other transcripts: 5 prime UTR variant (1).
Genome position (GRCh38, 1-based): chr1:236,725,994, T>A. VCF-style: chr1-236725994-T-A. GRCh37 (hg19) VCF-style: chr1-236889294-T-A.
Other names: c.510T>A, p.Asn170Lys (NM_001278343.2); c.-312T>A (NM_001278344.2); c.-437T>A (NM_001412150.1); short protein forms N170K.
Identifiers: ClinVar variation 1895993 (VCV001895993.5), dbSNP rs1572120135, ClinGen allele CA345374744.

ClinVar aggregate classification (germline): Uncertain significance (1 of 4 stars; one submission).

Conditions:
Dilated cardiomyopathy 1AA (CMD1AA). Also called: CARDIOMYOPATHY, DILATED, 1AA, WITH OR WITHOUT LEFT VENTRICULAR NONCOMPACTION; CARDIOMYOPATHY, FAMILIAL HYPERTROPHIC, 23, WITH OR WITHOUT LEFT VENTRICULAR NONCOMPACTION; Cardiomyopathy, dilated, 1AA, with or without LVNC. Identifiers: Orphanet 154, MedGen C2677338, MONDO:0012808, OMIM 612158.
Primary familial hypertrophic cardiomyopathy (HCM). Identifiers: Orphanet 99739, MedGen C0949658, MeSH D024741, MONDO:0024573. Inheritance: Various modes of inheritance.

Submission:

Labcorp Genetics (formerly Invitae), Labcorp
Classification: Uncertain significance for Primary familial hypertrophic cardiomyopathy; Dilated cardiomyopathy 1AA. Last evaluated: 2022-05-04. Review status: criteria provided, single submitter. Criteria: Invitae Variant Classification Sherloc (09022015). Collection method: clinical testing. Allele origin: germline.
Comment: In summary, the available evidence is currently insufficient to determine the role of this variant in disease. Therefore, it has been classified as a Variant of Uncertain Significance. Advanced modeling of protein sequence and biophysical properties (such as structural, functional, and spatial information, amino acid conservation, physicochemical variation, residue mobility, and thermodynamic stability) performed at Invitae indicates that this missense variant is not expected to disrupt ACTN2 protein function. This variant has not been reported in the literature in individuals affected with ACTN2-related conditions. This variant is not present in population databases (gnomAD no frequency). This sequence change replaces asparagine, which is neutral and polar, with lysine, which is basic and polar, at codon 170 of the ACTN2 protein (p.Asn170Lys).